The following is an entry in ClinVar:

ClinVar aggregate classification (germline): Uncertain significance (1 of 4 stars; one submission).

Conditions:
Aortic aneurysm, familial thoracic 4 (AAT4). Also called: AORTIC ANEURYSM/AORTIC DISSECTION AND PATENT DUCTUS ARTERIOSUS. Identifiers: MedGen C1851504, MONDO:0007568, OMIM 132900.

gnomAD v4.1: 1 of 1,614,072 alleles (0.000062%); highest among the groups gnomAD compares: Non-Finnish European, 0.000085%; no homozygotes.

Submission:

Labcorp Genetics (formerly Invitae), Labcorp
Classification: Uncertain significance for Aortic aneurysm, familial thoracic 4. Last evaluated: 2024-08-28. Review status: criteria provided, single submitter. Criteria: Invitae Variant Classification Sherloc (09022015). Collection method: clinical testing. Allele origin: germline.
Comment: This sequence change replaces glutamic acid, which is acidic and polar, with glycine, which is neutral and non-polar, at codon 1566 of the MYH11 protein (p.Glu1566Gly). This variant is not present in population databases (gnomAD no frequency). This variant has not been reported in the literature in individuals affected with MYH11-related conditions. Invitae Evidence Modeling of protein sequence and biophysical properties (such as structural, functional, and spatial information, amino acid conservation, physicochemical variation, residue mobility, and thermodynamic stability) indicates that this missense variant is not expected to disrupt MYH11 protein function with a negative predictive value of 80%. In summary, the available evidence is currently insufficient to determine the role of this variant in disease. Therefore, it has been classified as a Variant of Uncertain Significance.

NM_002474.3(MYH11):c.4676A>G (p.Glu1559Gly)

Genes: MYH11 (myosin heavy chain 11; minus strand), NDE1 (nudE neurodevelopment protein 1; plus strand). Cytogenetic location: 16p13.11.
Variant type: single nucleotide variant.
Coding change: c.4676A>G on transcript NM_002474.3 (MANE Select); coding-DNA position 4676, A replaced by G.
Protein change: p.Glu1559Gly; replaces glutamic acid 1559 with glycine.
Molecular consequence: missense variant. On other transcripts: intron variant (2).
Genome position (GRCh38, 1-based): chr16:15,720,954, T>C on the plus strand (A>G on the coding strand, the complement: MYH11 is on the minus strand). VCF-style: chr16-15720954-T-C. GRCh37 (hg19) VCF-style: chr16-15814811-T-C.
Other names: c.4697A>G, p.Glu1566Gly (NM_001040113.2, NM_001040114.2); c.4676A>G, p.Glu1559Gly (NM_022844.3); c.948-3237T>C (NM_001143979.2, NM_017668.3); short protein forms E1559G, E1566G.
Identifiers: ClinVar variation 3620533 (VCV003620533.2).